The following is an entry in ClinVar:

ClinVar aggregate classification (germline): Uncertain significance (0 of 4 stars; one submission).

Conditions:
FBLN1-related disorder. Also called: FBLN1-related condition.

Submission:

PreventionGenetics, part of Exact Sciences
Classification: Uncertain significance for FBLN1-related condition. Last evaluated: 2024-05-10. Review status: no assertion criteria provided. Collection method: clinical testing. Allele origin: germline.
Comment: The FBLN1 c.769G>A variant is predicted to result in the amino acid substitution p.Asp257Asn. To our knowledge, this variant has not been reported in the literature or in a large population database, indicating this variant is rare. At this time, the clinical significance of this variant is uncertain due to the absence of conclusive functional and genetic evidence.

NM_006486.3(FBLN1):c.769G>A (p.Asp257Asn)

Gene: FBLN1 (fibulin 1; plus strand). Cytogenetic location: 22q13.31.
Variant type: single nucleotide variant.
Coding change: c.769G>A on transcript NM_006486.3 (MANE Select); coding-DNA position 769, G replaced by A.
Protein change: p.Asp257Asn; replaces aspartic acid 257 with asparagine.
Molecular consequence: missense variant.
Genome position (GRCh38, 1-based): chr22:45,533,883, G>A. VCF-style: chr22-45533883-G-A. GRCh37 (hg19) VCF-style: chr22-45929763-G-A.
Other names: c.769G>A, p.Asp257Asn (NM_001996.4, NM_006485.4, NM_006487.3); short protein forms D257N.
Identifiers: ClinVar variation 3355714 (VCV003355714.1).
Genomic context (GRCh38, chr22:45,533,883, plus strand): 5'-GTGGGCTCTTTCCGCTGCCAGCGGGACAGCAGCTGCGGGACTGGCTATGAGCTCACAGAG[G>A]ACAATAGCTGCAAAGGTACAGCATGCGCTCCGAGTCTGCAAACCTGGTCTTCCAGGCGTA-3'
Protein context (NP_006477.3, residues 247-267): SCGTGYELTE[Asp257Asn]NSCKDIDECE